The following is an entry in ClinVar:

ClinVar aggregate classification (germline): Uncertain significance (1 of 4 stars; one submission).

Conditions:
Developmental and epileptic encephalopathy, 54. Also called: HNRNPU-Related Neurodevelopmental Disorder; Epileptic encephalopathy, early infantile, 54. Identifiers: MedGen C4479319, MONDO:0033363, OMIM 617391.

Submission:

Labcorp Genetics (formerly Invitae), Labcorp
Classification: Uncertain significance for Developmental and epileptic encephalopathy, 54. Last evaluated: 2019-05-05. Review status: criteria provided, single submitter. Criteria: Invitae Variant Classification Sherloc (09022015). Collection method: clinical testing. Allele origin: germline.
Comment: This variant is not present in population databases (ExAC no frequency). In summary, the available evidence is currently insufficient to determine the role of this variant in disease. Therefore, it has been classified as a Variant of Uncertain Significance. Algorithms developed to predict the effect of sequence changes on RNA splicing suggest that this variant may create or strengthen a splice site, but this prediction has not been confirmed by published transcriptional studies. Algorithms developed to predict the effect of missense changes on protein structure and function are either unavailable or do not agree on the potential impact of this missense change (SIFT: "Deleterious"; PolyPhen-2: "Possibly Damaging"; Align-GVGD: "Class C0"). This variant has not been reported in the literature in individuals with HNRNPU-related conditions. This sequence change replaces aspartic acid with glycine at codon 280 of the HNRNPU protein (p.Asp280Gly). The aspartic acid residue is highly conserved and there is a moderate physicochemical difference between aspartic acid and glycine.

NM_031844.3(HNRNPU):c.839A>G (p.Asp280Gly)

Gene: HNRNPU (heterogeneous nuclear ribonucleoprotein U; minus strand). Cytogenetic location: 1q44.
Variant type: single nucleotide variant.
Coding change: c.839A>G on transcript NM_031844.3 (MANE Select); coding-DNA position 839, A replaced by G.
Protein change: p.Asp280Gly; replaces aspartic acid 280 with glycine.
Molecular consequence: missense variant.
Genome position (GRCh38, 1-based): chr1:244,862,499, T>C on the plus strand (A>G on the coding strand, the complement: HNRNPU is on the minus strand). VCF-style: chr1-244862499-T-C. GRCh37 (hg19) VCF-style: chr1-245025801-T-C.
Other names: c.782A>G, p.Asp261Gly (NM_004501.3); short protein forms D280G, D261G.
Identifiers: ClinVar variation 952520 (VCV000952520.10), dbSNP rs1168497628, ClinGen allele CA345495096.
Genomic context (GRCh38, chr1:244,862,499, plus strand): 5'-GGGGAGAAACAGCTTCACTTACAAGTATCAAGACAAACCACTGTGTCATCGAAGTGTTCA[T>C]CTTCTTCTTCAACAGGTGGCTGAGGAGATTTGGCTCTGAAAGACAGAATTGTCTCCTGAT-3'
Protein context (NP_114032.2, residues 270-290): KSPQPPVEEE[Asp280Gly]EHFDDTVVCL